The following is an entry in ClinVar:

ClinVar aggregate classification (germline): Uncertain significance. Review status: criteria provided, multiple submitters, no conflicts (2 of 4 stars). 2 submissions from 2 submitters: Uncertain significance (2). Last evaluated 2023-07-06.

Conditions:
CHD7-related disorder. Also called: CHD7-related condition.

Allele frequency attached by ClinVar (database versions not stated): gnomAD exomes below 0.00001.
gnomAD v4.1: 2 of 1,612,054 alleles (0.00012%); highest among the groups gnomAD compares: African/African-American, 0.0013%; no homozygotes.

Submissions (2):

GeneDx
Classification: Uncertain significance. Last evaluated: 2023-07-06. Review status: criteria provided, single submitter. Criteria: GeneDx Variant Classification Process June 2021. Collection method: clinical testing. Allele origin: germline. Affected: yes.
Comment: Not observed at significant frequency in large population cohorts (gnomAD); In silico analysis supports that this missense variant has a deleterious effect on protein structure/function; Has not been previously published as pathogenic or benign to our knowledge

PreventionGenetics, part of Exact Sciences
Classification: Uncertain significance for CHD7-related condition. Last evaluated: 2023-03-06. Review status: criteria provided, single submitter. Criteria: ACMG Guidelines, 2015. Collection method: clinical testing. Allele origin: germline.
Comment: The CHD7 c.4889A>G variant is predicted to result in the amino acid substitution p.Tyr1630Cys. To our knowledge, this variant has not been reported in the literature. This variant is reported in 0.0065% of alleles in individuals of African descent in gnomAD. At this time, the clinical significance of this variant is uncertain due to the absence of conclusive functional and genetic evidence.

NM_017780.4(CHD7):c.4889A>G (p.Tyr1630Cys)

Gene: CHD7 (chromodomain helicase DNA binding protein 7; plus strand). Cytogenetic location: 8q12.2.
Variant type: single nucleotide variant.
Coding change: c.4889A>G on transcript NM_017780.4 (MANE Select); coding-DNA position 4889, A replaced by G.
Protein change: p.Tyr1630Cys; replaces tyrosine 1630 with cysteine.
Molecular consequence: missense variant. On other transcripts: intron variant (1).
Genome position (GRCh38, 1-based): chr8:60,844,902, A>G. VCF-style: chr8-60844902-A-G. GRCh37 (hg19) VCF-style: chr8-61757461-A-G.
Other names: c.1717-17327A>G (NM_001316690.1); c.4889A>G (NM_017780.3); short protein forms Y1630C.
Identifiers: ClinVar variation 2571787 (VCV002571787.2), dbSNP rs1169925155, ClinGen allele CA371319805.